The following is an entry in ClinVar:

NM_001257291.2(SLC9A7):c.1843A>T (p.Thr615Ser)

Gene: SLC9A7 (solute carrier family 9 member A7; minus strand). Cytogenetic location: Xp11.3.
Variant type: single nucleotide variant.
Coding change: c.1843A>T on transcript NM_001257291.2 (MANE Select); coding-DNA position 1843, A replaced by T.
Protein change: p.Thr615Ser; replaces threonine 615 with serine.
Molecular consequence: missense variant.
Genome position (GRCh38, 1-based): chrX:46,613,375, T>A on the plus strand (A>T on the coding strand, the complement: SLC9A7 is on the minus strand). VCF-style: chrX-46613375-T-A. GRCh37 (hg19) VCF-style: chrX-46472810-T-A.
Other names: NC_000023.10:g.46472810T>A; c.1840A>T, p.Thr614Ser (NM_032591.3); short protein forms T614S, T615S.
Identifiers: ClinVar variation 2673227 (VCV002673227.24), dbSNP rs2519354760, ClinGen allele CA413033508.

ClinVar aggregate classification (germline): Uncertain significance (1 of 4 stars; one submission).

Allele frequency attached by ClinVar (database versions not stated): gnomAD exomes below 0.00001.
gnomAD v4.1: 3 of 1,196,873 alleles (0.00025%); highest among the groups gnomAD compares: Non-Finnish European, 0.00034%; no homozygotes.

Submissions (2):

CeGaT Center for Human Genetics Tuebingen
Classification: Uncertain significance. Last evaluated: 2023-11-01. Review status: criteria provided, single submitter. Criteria: CeGaT Center For Human Genetics Tuebingen Variant Classification Criteria Version 2. Collection method: clinical testing. Allele origin: germline. Affected: yes. Observed: 1 variant allele.
Comment: SLC9A7: PM2

Dr. Peter K. Rogan Lab, Western University
No classification provided (evidence only). Condition: Thyroid cancer, nonmedullary, 1. Review status: no classification provided. Collection method: in vitro. Allele origin: not applicable. Functional consequence: retained intron. Not counted in ClinVar's aggregate classification.